The following is an entry in ClinVar:

NM_003200.5(TCF3):c.1633G>A (p.Glu545Lys)

Gene: TCF3 (transcription factor 3; minus strand). Cytogenetic location: 19p13.3.
Variant type: single nucleotide variant.
Coding change: c.1633G>A on transcript NM_003200.5 (MANE Select); coding-DNA position 1633, G replaced by A.
Protein change: p.Glu545Lys; replaces glutamic acid 545 with lysine.
Molecular consequence: missense variant. On other transcripts: intron variant (2).
Genome position (GRCh38, 1-based): chr19:1,615,474, C>T on the plus strand (G>A on the coding strand, the complement: TCF3 is on the minus strand). VCF-style: chr19-1615474-C-T. GRCh37 (hg19) VCF-style: chr19-1615473-C-T.
Other names: c.1630G>A, p.Glu544Lys (NM_001351778.2); c.1586+212G>A (NM_001136139.4, NM_001351779.2); short protein forms E544K, E545K.
Identifiers: ClinVar variation 1389468 (VCV001389468.6), dbSNP rs756032723, ClinGen allele CA9049668.

ClinVar aggregate classification (germline): Uncertain significance (1 of 4 stars; one submission).

Allele frequency attached by ClinVar (database versions not stated): gnomAD 0.00001; gnomAD exomes 0.00001 and 0.00002; ExAC 0.00002; TOPMed 0.00002.
gnomAD v4.1: 14 of 1,611,676 alleles (0.00087%); highest among the groups gnomAD compares: Admixed American, 0.005%; no homozygotes.

Submission:

Labcorp Genetics (formerly Invitae), Labcorp
Classification: Uncertain significance. Last evaluated: 2023-08-17. Review status: criteria provided, single submitter. Criteria: Invitae Variant Classification Sherloc (09022015). Collection method: clinical testing. Allele origin: germline.
Comment: Advanced modeling of protein sequence and biophysical properties (such as structural, functional, and spatial information, amino acid conservation, physicochemical variation, residue mobility, and thermodynamic stability) performed at Invitae indicates that this missense variant is not expected to disrupt TCF3 protein function. This sequence change replaces glutamic acid, which is acidic and polar, with lysine, which is basic and polar, at codon 545 of the TCF3 protein (p.Glu545Lys). This variant is present in population databases (rs756032723, gnomAD 0.003%). This variant has not been reported in the literature in individuals affected with TCF3-related conditions. ClinVar contains an entry for this variant (Variation ID: 1389468). In summary, the available evidence is currently insufficient to determine the role of this variant in disease. Therefore, it has been classified as a Variant of Uncertain Significance.